The following is an entry in ClinVar:

ClinVar aggregate classification (germline): Uncertain significance (1 of 4 stars; one submission).

Conditions:
Cardiovascular phenotype. Identifiers: MedGen CN230736.

Allele frequency attached by ClinVar (database versions not stated): TOPMed below 0.00001.

Submission:

Ambry Genetics
Classification: Uncertain significance for Cardiovascular phenotype. Last evaluated: 2020-09-17. Review status: criteria provided, single submitter. Criteria: Ambry Variant Classification Scheme 2023. Collection method: clinical testing. Allele origin: germline.
Comment: The p.I163V variant (also known as c.487A>G), located in coding exon 4 of the FKTN gene, results from an A to G substitution at nucleotide position 487. The isoleucine at codon 163 is replaced by valine, an amino acid with highly similar properties. This amino acid position is not well conserved in available vertebrate species, and valine is the reference amino acid in other vertebrate species. In addition, this alteration is predicted to be tolerated by in silico analysis. Since supporting evidence is limited at this time, the clinical significance of this alteration remains unclear.

NM_001079802.2(FKTN):c.487A>G (p.Ile163Val)

Gene: FKTN (fukutin; plus strand). Cytogenetic location: 9q31.2.
Variant type: single nucleotide variant.
Coding change: c.487A>G on transcript NM_001079802.2 (MANE Select); coding-DNA position 487, A replaced by G.
Protein change: p.Ile163Val; replaces isoleucine 163 with valine.
Molecular consequence: missense variant. On other transcripts: non-coding transcript variant (2).
Genome position (GRCh38, 1-based): chr9:105,604,332, A>G. VCF-style: chr9-105604332-A-G. GRCh37 (hg19) VCF-style: chr9-108366613-A-G.
Other names: c.487A>G, p.Ile163Val (NM_001198963.2, NM_001351496.2, NM_001351498.2 and 1 more transcripts); c.418A>G, p.Ile140Val (NM_001351497.2); c.91A>G, p.Ile31Val (NM_001351499.2, NM_001351500.2, NM_001351501.2 and 1 more transcripts); short protein forms I140V, I31V, I163V.
Identifiers: ClinVar variation 1743756 (VCV001743756.2), dbSNP rs1245581773, ClinGen allele CA374332098.
Genomic context (GRCh38, chr9:105,604,332, plus strand): 5'-AAAGATCCCCGGCTAGACGGGATAGACTCACTCTCTGGAACTGAAATCCCCCTGCACTAT[A>G]TCTGCAAACTGGCCACTCATGCGATCCACTTGGTAGTCTTTCATGAGAGGAGTGGCAACT-3'
Protein context (NP_001073270.1, residues 153-173): LSGTEIPLHY[Ile163Val]CKLATHAIHL